The following is an entry in ClinVar:

ClinVar aggregate classification (germline): Conflicting classifications of pathogenicity. Review status: criteria provided, conflicting classifications (1 of 4 stars). 7 submissions from 7 submitters: Uncertain significance (1); Likely benign (4). 2 of the submissions do not count toward it. Last evaluated 2025-11-23.

Conditions:
CHRNA4-related disorder. Also called: CHRNA4-related condition.
Familial sleep-related hypermotor epilepsy. Also called: Autosomal Dominant Sleep-Related Hypermotor (Hyperkinetic) Epilepsy. Identifiers: Orphanet 98784, MedGen C3696898, MONDO:0000030.
Tobacco use disorder. Identifiers: MedGen C0040336.

Allele frequency attached by ClinVar (database versions not stated): ESP Exome Variant Server 0.00008; gnomAD 0.00008 and 0.00009; TOPMed 0.00009.
gnomAD v4.1: 87 of 1,613,640 alleles (0.0054%); highest among the groups gnomAD compares: Middle Eastern, 0.016%; no homozygotes.

Submissions (7):

Labcorp Genetics (formerly Invitae), Labcorp
Classification: Likely benign. Last evaluated: 2025-11-23. Review status: criteria provided, single submitter. Criteria: Invitae Variant Classification Sherloc (09022015). Collection method: clinical testing. Allele origin: germline.

CeGaT Center for Human Genetics Tuebingen
Classification: Likely benign. Last evaluated: 2025-05-01. Review status: criteria provided, single submitter. Criteria: CeGaT Center For Human Genetics Tuebingen Variant Classification Criteria Version 2. Collection method: clinical testing. Allele origin: germline. Affected: yes. Observed: 3 variant alleles.
Comment: CHRNA4: BP4, BP7

Blueprint Genetics
Classification: Likely benign. Last evaluated: 2023-12-27. Review status: criteria provided, single submitter. Criteria: ACMG Guidelines, 2015. Collection method: clinical testing. Allele origin: germline.

Eurofins Ntd Llc (ga)
Classification: Uncertain significance. Last evaluated: 2018-08-24. Review status: criteria provided, single submitter. Criteria: EGL ClinVar v180209 classification definitions. Collection method: clinical testing. Allele origin: germline. Observed: 1 variant allele, 1 heterozygote.

GeneDx
Classification: Likely benign. Last evaluated: 2017-10-27. Review status: criteria provided, single submitter. Criteria: GeneDx Variant Classification (06012015). Collection method: clinical testing. Allele origin: germline. Affected: yes.
Comment: This variant is considered likely benign or benign based on one or more of the following criteria: it is a conservative change, it occurs at a poorly conserved position in the protein, it is predicted to be benign by multiple in silico algorithms, and/or has population frequency not consistent with disease.

PreventionGenetics, part of Exact Sciences
Classification: Likely benign for CHRNA4-related condition. Last evaluated: 2019-08-27. Review status: no assertion criteria provided. Collection method: clinical testing. Allele origin: germline. Not counted in ClinVar's aggregate classification.
Comment: This variant is classified as likely benign based on ACMG/AMP sequence variant interpretation guidelines (Richards et al. 2015 PMID: 25741868, with internal and published modifications).

Psychiatry Genetics Yale University
No classification provided. Review status: no classification provided. Collection method: not provided. Allele origin: somatic. Not counted in ClinVar's aggregate classification.

NM_000744.7(CHRNA4):c.729G>A (p.Pro243=)

Gene: CHRNA4 (cholinergic receptor nicotinic alpha 4 subunit; minus strand). Cytogenetic location: 20q13.33.
Variant type: single nucleotide variant.
Coding change: c.729G>A on transcript NM_000744.7 (MANE Select); coding-DNA position 729, G replaced by A.
Protein change: p.Pro243=; no amino-acid change (proline 243 retained).
Molecular consequence: synonymous variant. On other transcripts: non-coding transcript variant (1).
Genome position (GRCh38, 1-based): chr20:63,350,682, C>T on the plus strand (G>A on the coding strand, the complement: CHRNA4 is on the minus strand). VCF-style: chr20-63350682-C-T. GRCh37 (hg19) VCF-style: chr20-61982034-C-T.
Other names: c.201G>A, p.Pro67= (NM_001256573.2).
Identifiers: ClinVar variation 98334 (VCV000098334.57), dbSNP rs121912253, ClinGen allele CA150448.